The following is an entry in ClinVar:

ClinVar aggregate classification (germline): Uncertain significance. Review status: criteria provided, multiple submitters, no conflicts (2 of 4 stars). 2 submissions from 2 submitters: Uncertain significance (2). Last evaluated 2025-09-25.

Conditions:
Hereditary cancer-predisposing syndrome. Also called: Hereditary Cancer Syndrome; Hereditary neoplastic syndrome; Neoplastic Syndromes, Hereditary; Tumor predisposition. Identifiers: Orphanet 140162, MedGen C0027672, MeSH D009386, MONDO:0015356.
Bloom syndrome (BLM). Also called: Bloom-Torre-Machacek syndrome. Identifiers: Orphanet 125, MedGen C0005859, MONDO:0008876, OMIM 210900.

gnomAD v4.1: 3 of 1,563,718 alleles (0.00019%); highest among the groups gnomAD compares: Admixed American, 0.004%; no homozygotes.

Submissions (2):

Labcorp Genetics (formerly Invitae), Labcorp
Classification: Uncertain significance for Bloom syndrome. Last evaluated: 2025-09-25. Review status: criteria provided, single submitter. Criteria: Invitae Variant Classification Sherloc (09022015). Collection method: clinical testing. Allele origin: germline.
Comment: This sequence change replaces isoleucine, which is neutral and non-polar, with valine, which is neutral and non-polar, at codon 570 of the BLM protein (p.Ile570Val). This variant is present in population databases (no rsID available, gnomAD 0.008%). This variant has not been reported in the literature in individuals affected with BLM-related conditions. ClinVar contains an entry for this variant (Variation ID: 1431841). Invitae Evidence Modeling of protein sequence and biophysical properties (such as structural, functional, and spatial information, amino acid conservation, physicochemical variation, residue mobility, and thermodynamic stability) indicates that this missense variant is not expected to disrupt BLM protein function with a negative predictive value of 80%. RNA analysis performed to evaluate the impact of this missense change on mRNA splicing indicates it does not significantly alter splicing (internal data). In summary, the available evidence is currently insufficient to determine the role of this variant in disease. Therefore, it has been classified as a Variant of Uncertain Significance.

Ambry Genetics
Classification: Uncertain significance for Hereditary cancer-predisposing syndrome. Last evaluated: 2025-09-12. Review status: criteria provided, single submitter. Criteria: Ambry Variant Classification Scheme 2023. Collection method: clinical testing. Allele origin: germline.
Comment: The p.I570V variant (also known as c.1708A>G), located in coding exon 6 of the BLM gene, results from an A to G substitution at nucleotide position 1708. The isoleucine at codon 570 is replaced by valine, an amino acid with highly similar properties. This amino acid position is not well conserved in available vertebrate species. In addition, this alteration is predicted to be tolerated by in silico analysis. Since supporting evidence is limited at this time, the clinical significance of this alteration remains unclear.

NM_000057.4(BLM):c.1708A>G (p.Ile570Val)

Gene: BLM (BLM RecQ like helicase; plus strand). Cytogenetic location: 15q26.1.
Variant type: single nucleotide variant.
Coding change: c.1708A>G on transcript NM_000057.4 (MANE Select); coding-DNA position 1708, A replaced by G.
Protein change: p.Ile570Val; replaces isoleucine 570 with valine.
Molecular consequence: missense variant.
Genome position (GRCh38, 1-based): chr15:90,761,081, A>G. VCF-style: chr15-90761081-A-G. GRCh37 (hg19) VCF-style: chr15-91304311-A-G.
Other names: c.1708A>G, p.Ile570Val (NM_001287246.2, NM_001287247.2); c.583A>G, p.Ile195Val (NM_001287248.2); short protein forms I195V, I570V.
Identifiers: ClinVar variation 1431841 (VCV001431841.8), dbSNP rs775758928, ClinGen allele CA393843675.